The following is an entry in ClinVar:

NM_001394372.1(BICRA):c.99CCT[1] (p.Leu35del)

Gene: BICRA (BRD4 interacting chromatin remodeling complex associated protein; plus strand). Cytogenetic location: 19q13.33.
Variant type: Microsatellite.
Coding change: c.99CCT[1] on transcript NM_001394372.1 (MANE Select); one copy of the 3-base unit CCT starting at c.99; the reference has two copies in a row; one copy, 3 bases deleted.
Protein change: p.Leu35del; deletes leucine 35.
Molecular consequence: inframe deletion.
Genome position (GRCh38, 1-based): chr19:47,675,868-47,675,870, CCT deleted; deleting any 3 consecutive bases within chr19:47,675,865-47,675,870 gives the same sequence; the position shown is the placement nearest the transcript's 3' end. VCF-style (leftmost placement, unchanged base first): chr19-47675864-ACCT-A. GRCh37 (hg19) VCF-style: chr19-48179121-ACCT-A.
Other names: c.99CCT[1], p.Leu35del (NM_015711.3); short protein forms L35del.
Identifiers: ClinVar variation 1682846 (VCV001682846.6), dbSNP rs2123579817, ClinGen allele CA2576831903.

ClinVar aggregate classification (germline): Uncertain significance (1 of 4 stars; one submission).

Submission:

Labcorp Genetics (formerly Invitae), Labcorp
Classification: Uncertain significance. Last evaluated: 2021-11-06. Review status: criteria provided, single submitter. Criteria: Invitae Variant Classification Sherloc (09022015). Collection method: clinical testing. Allele origin: germline.
Comment: This variant, c.102_104del, results in the deletion of 1 amino acid(s) of the GLTSCR1 protein (p.Leu35del), but otherwise preserves the integrity of the reading frame. This variant is not present in population databases (gnomAD no frequency). This variant has not been reported in the literature in individuals affected with GLTSCR1-related conditions. Experimental studies and prediction algorithms are not available or were not evaluated, and the functional significance of this variant is currently unknown. In summary, the available evidence is currently insufficient to determine the role of this variant in disease. Therefore, it has been classified as a Variant of Uncertain Significance.